The following is an entry in ClinVar:

ClinVar aggregate classification (germline): Conflicting classifications of pathogenicity. Review status: criteria provided, conflicting classifications (1 of 4 stars). 3 submissions from 3 submitters: Likely pathogenic (1); Uncertain significance (1); Benign (1). Last evaluated 2026-01-21.

Conditions:
Adenosine kinase deficiency. Also called: Hypermethioninemia due to adenosine kinase deficiency; MENTAL RETARDATION, AUTOSOMAL RECESSIVE 8. Identifiers: Orphanet 289290, Orphanet 88616, MedGen C4706555, MONDO:0100255, OMIM 614300.

Submissions (3):

Women's Health and Genetics/Laboratory Corporation of America, LabCorp
Classification: Benign. Last evaluated: 2026-01-21. Review status: criteria provided, single submitter. Criteria: LabCorp Variant Classification Summary - May 2015. Collection method: clinical testing. Allele origin: germline.
Comment: Variant summary: ADK c.-25593T>A is located in the untranscribed region upstream of the ADK gene region. The variant allele was found at a frequency of 4.8e-05 in 1549534 control chromosomes, predominantly at a frequency of 0.0017 within the East Asian subpopulation in the gnomAD database. The observed variant frequency within East Asian control individuals in the gnomAD database exceeds the estimated maximal expected allele frequency for disease-causing variants in ADK. c.-25593T>A has been observed in individuals undergoing genetic testing, but who were not described as having Adenosine kinase deficiency (e.g. Hou_2020, Won_2020). These report(s) do not provide unequivocal conclusions about association of the variant with Adenosine kinase deficiency. To our knowledge, no experimental evidence demonstrating an impact on protein function has been reported. The following publications have been ascertained in the context of this evaluation (PMID: 31980526, 32695065). No submitters have cited clinical-significance assessments for this variant to ClinVar. Based on the evidence outlined above, the variant was classified as benign.

Dasa
Classification: Uncertain significance. Last evaluated: 2026-01-19. Review status: criteria provided, single submitter. Criteria: DASA Assertion Criteria. Collection method: clinical testing. Allele origin: germline.
Comment: NM_006721.4(ADK):c.2T>A (p.Met1?) is a start-loss variant predicted to alter the translation initiation codon and impair normal protein translation. This variant is rare in population databases. The currently available literature and clinical evidence are not sufficient to establish a definitive association between this variant and the reported condition. Therefore, this variant is classified as a variant of uncertain significance.

First Genomix Gene Laboratory, Genetic Diagnostics Department
Classification: Likely pathogenic for Adenosine kinase deficiency. Last evaluated: 2025-06-19. Review status: criteria provided, single submitter. Criteria: ACMG Guidelines, 2015. Collection method: clinical testing. Allele origin: germline. Inheritance: Autosomal recessive inheritance. Affected: no. Observed: 1 variant allele.

Literature cited by the submitters: PubMed 31980526 (cited by Women's Health and Genetics/Laboratory Corporation of America, LabCorp); PubMed 32695065 (cited by Women's Health and Genetics/Laboratory Corporation of America, LabCorp).

NM_006721.4(ADK):c.2T>A (p.Met1Lys)

Gene: ADK (adenosine kinase; plus strand). Cytogenetic location: 10q22.2.
Variant type: single nucleotide variant.
Coding change: c.2T>A on transcript NM_006721.4 (MANE Select); coding-DNA position 2, T replaced by A.
Protein change: p.Met1Lys; changes the start codon (methionine 1).
Molecular consequence: missense variant, initiator codon variant. On other transcripts: genic upstream transcript variant (1).
Genome position (GRCh38, 1-based): chr10:74,151,280, T>A. VCF-style: chr10-74151280-T-A. GRCh37 (hg19) VCF-style: chr10-75911038-T-A.
Other names: c.-25593T>A (NM_001123.4); c.2T>A, p.Met1Lys (NM_001202450.2, NM_001369123.1); short protein forms M1K.
Identifiers: ClinVar variation 4689182 (VCV004689182.4).